The following is an entry in ClinVar:

ClinVar aggregate classification (germline): Benign/Likely benign. Review status: criteria provided, multiple submitters, no conflicts (2 of 4 stars). 3 submissions from 3 submitters: Benign (1); Likely benign (2). Last evaluated 2024-04-19.

Conditions:
Hereditary cancer-predisposing syndrome. Also called: Neoplastic Syndromes, Hereditary; Tumor predisposition; Hereditary Cancer Syndrome; Hereditary neoplastic syndrome. Identifiers: Orphanet 140162, MedGen C0027672, MeSH D009386, MONDO:0015356.
Familial cancer of breast. Also called: BREAST CANCER, FAMILIAL; Hereditary breast cancer; hereditary breast carcinoma. Identifiers: Orphanet 227535, MedGen C0346153, MONDO:0016419, OMIM 114480. Disease mechanism: loss of function.
Ataxia-telangiectasia syndrome (AT). Also called: LOUIS-BAR SYNDROME; Ataxia-telangiectasia, complementation group D; ATAXIA-TELANGIECTASIA, COMPLEMENTATION GROUP A; ATAXIA-TELANGIECTASIA, FRESNO VARIANT; Ataxia-telangiectasia; Ataxia telangiectasia (A-T). Identifiers: Orphanet 100, MedGen C0004135, MONDO:0008840, OMIM 208900.

Submissions (3):

Myriad Genetics, Inc.
Classification: Benign for Familial cancer of breast. Last evaluated: 2024-04-19. Review status: criteria provided, single submitter. Criteria: Myriad Autosomal Dominant, Autosomal Recessive and X-Linked Classification Criteria (2023). Collection method: clinical testing. Allele origin: unknown.
Comment: This variant is considered benign. This variant is a silent/synonymous amino acid change and it is not expected to impact splicing.

Ambry Genetics
Classification: Likely benign for Hereditary cancer-predisposing syndrome. Last evaluated: 2024-03-19. Review status: criteria provided, single submitter. Criteria: Ambry Variant Classification Scheme 2023. Collection method: clinical testing. Allele origin: germline.

Labcorp Genetics (formerly Invitae), Labcorp
Classification: Likely benign for Ataxia-telangiectasia syndrome. Last evaluated: 2023-02-08. Review status: criteria provided, single submitter. Criteria: Invitae Variant Classification Sherloc (09022015). Collection method: clinical testing. Allele origin: germline.

NM_000051.4(ATM):c.471T>C (p.Cys157=)

Gene: ATM (ATM serine/threonine kinase; plus strand). Cytogenetic location: 11q22.3.
Variant type: single nucleotide variant.
Coding change: c.471T>C on transcript NM_000051.4 (MANE Select); coding-DNA position 471, T replaced by C.
Protein change: p.Cys157=; no amino-acid change (cysteine 157 retained).
Molecular consequence: synonymous variant.
Genome position (GRCh38, 1-based): chr11:108,235,809, T>C. VCF-style: chr11-108235809-T-C. GRCh37 (hg19) VCF-style: chr11-108106536-T-C.
Other names: c.471T>C, p.Cys157= (NM_001351834.2).
Identifiers: ClinVar variation 2835655 (VCV002835655.5), dbSNP rs1555059459, ClinGen allele CA476670420.
Genomic context (GRCh38, chr11:108,235,809, plus strand): 5'-CGGAGCTGATTGTAGCAACATACTACTCAAAGACATTCTTTCTGTGAGAAAATACTGGTG[T>C]GAAATATCTCAGCAACAGTGGTTAGGTATGTTTTGAAGGTTGTTGTTTGTGAATTTTTCC-3'
Protein context (NP_000042.3, residues 147-167): KDILSVRKYW[Cys157=]EISQQQWLEL